The following is an entry in ClinVar:

NM_139057.4(ADAMTS17):c.1888G>A (p.Asp630Asn)

Gene: ADAMTS17 (ADAM metallopeptidase with thrombospondin type 1 motif 17; minus strand). Cytogenetic location: 15q26.3.
Variant type: single nucleotide variant.
Coding change: c.1888G>A on transcript NM_139057.4 (MANE Select); coding-DNA position 1888, G replaced by A.
Protein change: p.Asp630Asn; replaces aspartic acid 630 with asparagine.
Molecular consequence: missense variant.
Genome position (GRCh38, 1-based): chr15:100,116,847, C>T on the plus strand (G>A on the coding strand, the complement: ADAMTS17 is on the minus strand). VCF-style: chr15-100116847-C-T. GRCh37 (hg19) VCF-style: chr15-100657052-C-T.
Other names: p.Asp630Asn; short protein forms D630N.
Identifiers: ClinVar variation 2067735 (VCV002067735.5), dbSNP rs769308253, ClinGen allele CA7758024.

ClinVar aggregate classification (germline): Uncertain significance. Review status: criteria provided, multiple submitters, no conflicts (2 of 4 stars). 3 submissions from 3 submitters: Uncertain significance (3). Last evaluated 2025-10-01.

Allele frequency attached by ClinVar (database versions not stated): gnomAD 0.00001; gnomAD exomes 0.00001; ExAC 0.00002; TOPMed 0.00005.
gnomAD v4.1: 12 of 1,613,978 alleles (0.00074%); highest among the groups gnomAD compares: Admixed American, 0.013%; no homozygotes.

Submissions (3):

Mayo Clinic Laboratories, Mayo Clinic
Classification: Uncertain significance. Last evaluated: 2025-10-01. Review status: criteria provided, single submitter. Criteria: ACMG Guidelines, 2015. Collection method: clinical testing. Allele origin: germline. Observed: 1 variant allele.
Comment: PP3

Labcorp Genetics (formerly Invitae), Labcorp
Classification: Uncertain significance. Last evaluated: 2025-09-09. Review status: criteria provided, single submitter. Criteria: Invitae Variant Classification Sherloc (09022015). Collection method: clinical testing. Allele origin: germline.
Comment: This sequence change replaces aspartic acid, which is acidic and polar, with asparagine, which is neutral and polar, at codon 630 of the ADAMTS17 protein (p.Asp630Asn). This variant also falls at the last nucleotide of exon 13, which is part of the consensus splice site for this exon. This variant is present in population databases (rs769308253, gnomAD 0.02%). This variant has not been reported in the literature in individuals affected with ADAMTS17-related conditions. ClinVar contains an entry for this variant (Variation ID: 2067735). An algorithm developed to predict the effect of missense changes on protein structure and function (PolyPhen-2) suggests that this variant is likely to be tolerated. Variants that disrupt the consensus splice site are a relatively common cause of aberrant splicing (PMID: 17576681, 9536098). Algorithms developed to predict the effect of sequence changes on RNA splicing suggest that this variant may disrupt the consensus splice site. In summary, the available evidence is currently insufficient to determine the role of this variant in disease. Therefore, it has been classified as a Variant of Uncertain Significance.

Blueprint Genetics
Classification: Uncertain significance. Last evaluated: 2021-01-08. Review status: criteria provided, single submitter. Criteria: ACMG Guidelines, 2015. Collection method: clinical testing. Allele origin: germline.

Literature cited by the submitters: PubMed 17576681 (cited by Labcorp Genetics (formerly Invitae), Labcorp); PubMed 9536098 (cited by Labcorp Genetics (formerly Invitae), Labcorp).